The following is an entry in ClinVar:

NM_018684.4(ZC4H2):c.221A>G (p.Asn74Ser)

Gene: ZC4H2 (zinc finger C4H2-type containing; minus strand). Cytogenetic location: Xq11.2.
Variant type: single nucleotide variant.
Coding change: c.221A>G on transcript NM_018684.4 (MANE Select); coding-DNA position 221, A replaced by G.
Protein change: p.Asn74Ser; replaces asparagine 74 with serine.
Molecular consequence: missense variant. On other transcripts: non-coding transcript variant (1).
Genome position (GRCh38, 1-based): chrX:64,921,821, T>C on the plus strand (A>G on the coding strand, the complement: ZC4H2 is on the minus strand). VCF-style: chrX-64921821-T-C. GRCh37 (hg19) VCF-style: chrX-64141701-T-C.
Other names: c.152A>G, p.Asn51Ser (NM_001178032.3, NM_001243804.2); c.221A>G, p.Asn74Ser (NM_001178033.3); short protein forms N74S, N51S.
Identifiers: ClinVar variation 872371 (VCV000872371.43), dbSNP rs1929207955, ClinGen allele CA413412100.
Genomic context (GRCh38, chrX:64,921,821, plus strand): 5'-TTCACCACTACCTCTTTCTCAAAGGCTTTAGAGATAGGCTCCAGGCAGCCACGTACCACA[T>C]TGATGTCAGCGTGGATCAGTCGGAGTTCCTCCACATGGGCCATCTTCTCCTGTAGCAGAA-3'
Protein context (NP_061154.1, residues 64-84): EELRLIHADI[Asn74Ser]VMENTIKQSE

ClinVar aggregate classification (germline): Uncertain significance. Review status: criteria provided, multiple submitters, no conflicts (2 of 4 stars). 2 submissions from 2 submitters: Uncertain significance (2). Last evaluated 2025-06-01.

Allele frequency attached by ClinVar (database versions not stated): gnomAD exomes below 0.00001.
gnomAD v4.1: 1 of 1,210,167 alleles (0.000083%); highest among the groups gnomAD compares: Admixed American, 0.0022%; no homozygotes.

Submissions (2):

CeGaT Center for Human Genetics Tuebingen
Classification: Uncertain significance. Last evaluated: 2025-06-01. Review status: criteria provided, single submitter. Criteria: CeGaT Center For Human Genetics Tuebingen Variant Classification Criteria Version 2. Collection method: clinical testing. Allele origin: germline. Affected: yes. Observed: 2 variant alleles.
Comment: ZC4H2: PM2

GeneDx
Classification: Uncertain significance. Last evaluated: 2019-10-31. Review status: criteria provided, single submitter. Criteria: GeneDx Variant Classification Process June 2021. Collection method: clinical testing. Allele origin: germline. Affected: yes.
Comment: Not observed in large population cohorts (Lek et al., 2016); In silico analysis, which includes protein predictors and evolutionary conservation, supports a deleterious effect; Has not been previously published as pathogenic or benign to our knowledge